The following is an entry in ClinVar:

NM_000834.5(GRIN2B):c.1806C>T (p.Ile602=)

Gene: GRIN2B (glutamate ionotropic receptor NMDA type subunit 2B; minus strand). Cytogenetic location: 12p13.1.
Variant type: single nucleotide variant.
Coding change: c.1806C>T on transcript NM_000834.5 (MANE Select); coding-DNA position 1806, C replaced by T.
Protein change: p.Ile602=; no amino-acid change (isoleucine 602 retained).
Molecular consequence: synonymous variant.
Genome position (GRCh38, 1-based): chr12:13,608,807, G>A on the plus strand (C>T on the coding strand, the complement: GRIN2B is on the minus strand). VCF-style: chr12-13608807-G-A. GRCh37 (hg19) VCF-style: chr12-13761741-G-A.
Other names: p.I602I:ATC>ATT; p.Ile602=; c.1806C>T (NM_000834.4).
Identifiers: ClinVar variation 129201 (VCV000129201.23), dbSNP rs1805522, ClinGen allele CA153042.
Genomic context (GRCh38, chr12:13,608,807, plus strand): 5'-GTTCTGCACAGGTACGGAGTTGTTAAACACCAGACCCCAGAGCAACCAAATAGCTTTGCC[G>A]ATGGTGAAAGAGGGTCCACCAGGCTCTGGCATGACAAAAAGACAAGGACGAAAGTTAAGC-3'
Protein context (NP_000825.2, residues 592-612): GREPGGPSFT[Ile602=]GKAIWLLWGL

ClinVar aggregate classification (germline): Benign. Review status: criteria provided, multiple submitters, no conflicts (2 of 4 stars). 7 submissions from 7 submitters: Benign (6). 1 of the submissions does not count toward it. Last evaluated 2026-02-03.

Conditions:
Inborn genetic diseases. Identifiers: MedGen C0950123, MeSH D030342.
Intellectual developmental disorder, autosomal dominant 6, with or without seizures. Also called: Intellectual disability, autosomal dominant 6; GRIN2B-related developmental delay, intellectual disability and autism spectrum disorder. Identifiers: Orphanet 589547, MedGen C3151411, MONDO:0013509, OMIM 613970.
Developmental and epileptic encephalopathy, 27 (DEE27). Also called: Epileptic encephalopathy, early infantile, 27; GRIN2B-Related Neurodevelopmental Disorder. Identifiers: Orphanet 3451, MedGen C4015316, MONDO:0014505, OMIM 616139.

Allele frequency attached by ClinVar (database versions not stated): ESP Exome Variant Server 0.03921; TOPMed 0.04759; ExAC 0.06505; 1000 Genomes Project 30x 0.08666; 1000 Genomes Project 0.08946.
gnomAD v4.1: 78,099 of 1,613,438 alleles (4.8%); highest among the groups gnomAD compares: East Asian, 18%; 2,831 homozygotes.

Submissions (7):

Labcorp Genetics (formerly Invitae), Labcorp
Classification: Benign for Developmental and epileptic encephalopathy, 27; Intellectual developmental disorder, autosomal dominant 6, with or without seizures. Last evaluated: 2026-02-03. Review status: criteria provided, single submitter. Criteria: Invitae Variant Classification Sherloc (09022015). Collection method: clinical testing. Allele origin: germline.

Unidad de Genómica Garrahan, Hospital de Pediatría Garrahan
Classification: Benign. Last evaluated: 2024-07-31. Review status: criteria provided, single submitter. Criteria: ACMG Guidelines, 2015. Collection method: clinical testing. Allele origin: germline. Affected: no. Observed: 19 variant alleles.
Comment: This variant is classified as Benign based on local population frequency. This variant was detected in 20% of patients studied in a panel designed for Epileptic and Developmental Encephalopathy, Progressive Myoclonus Epilepsy and Abnormal Movements and Neurodegeneration with brain iron accumulation. Number of patients: 19. Only high quality variants are reported.

Mayo Clinic Laboratories, Mayo Clinic
Classification: Benign. Last evaluated: 2018-11-30. Review status: criteria provided, single submitter. Criteria: ACMG Guidelines, 2015. Collection method: clinical testing. Allele origin: germline. Observed: 47 variant alleles.

Ambry Genetics
Classification: Benign for Inborn genetic diseases. Last evaluated: 2016-03-18. Review status: criteria provided, single submitter. Criteria: Ambry Variant Classification Scheme 2023. Collection method: clinical testing. Allele origin: germline.

GeneDx
Classification: Benign. Last evaluated: 2013-11-06. Review status: criteria provided, single submitter. Criteria: GeneDx Variant Classification (06012015). Collection method: clinical testing. Allele origin: germline. Affected: yes.
Comment: This variant is considered likely benign or benign based on one or more of the following criteria: it is a conservative change, it occurs at a poorly conserved position in the protein, it is predicted to be benign by multiple in silico algorithms, and/or has population frequency not consistent with disease.

Breakthrough Genomics
Classification: Benign. Review status: criteria provided, single submitter. Criteria: ACMG Guidelines, 2015. Collection method: not provided. Allele origin: germline. Inheritance: Autosomal dominant inheritance. Affected: yes.

Genetic Services Laboratory, University of Chicago
Classification: Likely benign for AllHighlyPenetrant. Review status: no assertion criteria provided. Collection method: clinical testing. Allele origin: germline. Inheritance: Autosomal dominant inheritance. Not counted in ClinVar's aggregate classification.
Comment: Likely benign based on allele frequency in 1000 Genomes Project or ESP global frequency and its presence in a patient with a rare or unrelated disease phenotype. NOT Sanger confirmed.